The following is an entry in ClinVar:

NM_001953.5(TYMP):c.874C>G (p.Leu292Val)

Gene: TYMP (thymidine phosphorylase; minus strand). Cytogenetic location: 22q13.33.
Variant type: single nucleotide variant.
Coding change: c.874C>G on transcript NM_001953.5 (MANE Select); coding-DNA position 874, C replaced by G.
Protein change: p.Leu292Val; replaces leucine 292 with valine.
Molecular consequence: missense variant.
Genome position (GRCh38, 1-based): chr22:50,526,630, G>C on the plus strand (C>G on the coding strand, the complement: TYMP is on the minus strand). VCF-style: chr22-50526630-G-C. GRCh37 (hg19) VCF-style: chr22-50965059-G-C.
Other names: c.874C>G, p.Leu292Val (NM_001113755.3, NM_001113756.3, NM_001257988.1 and 3 more transcripts); short protein forms L292V.
Identifiers: ClinVar variation 215323 (VCV000215323.4), dbSNP rs750707642, ClinGen allele CA322354.
Genomic context (GRCh38, chr22:50,526,630, plus strand): 5'-CCTCACCGAGCGTGGTGACCAGGTCCCTTAAGTCTGGCGGGCCTGCGCCGTCCATGCAGA[G>C]CAGCGCCTCCTCCACCTCCAGGGCGTGGCCCACGCAGCGACCCAGGGGCTTGTCCATGGC-3'
Protein context (NP_001944.1, residues 282-302): GHALEVEEAL[Leu292Val]CMDGAGPPDL

ClinVar aggregate classification (germline): Conflicting classifications of pathogenicity. Review status: criteria provided, conflicting classifications (1 of 4 stars). 3 submissions from 3 submitters: Uncertain significance (2); Likely benign (1). Last evaluated 2025-08-08.

Conditions:
Inborn genetic diseases. Identifiers: MedGen C0950123, MeSH D030342.

Allele frequency attached by ClinVar (database versions not stated): ExAC below 0.00001; gnomAD exomes below 0.00001; gnomAD 0.00006; TOPMed 0.00006.
gnomAD v4.1: 17 of 1,575,782 alleles (0.0011%); highest among the groups gnomAD compares: African/African-American, 0.02%; no homozygotes.

Submissions (3):

Ambry Genetics
Classification: Uncertain significance for Inborn genetic diseases. Last evaluated: 2025-08-08. Review status: criteria provided, single submitter. Criteria: Ambry Variant Classification Scheme 2023. Collection method: clinical testing. Allele origin: germline.

Labcorp Genetics (formerly Invitae), Labcorp
Classification: Uncertain significance. Last evaluated: 2022-02-10. Review status: criteria provided, single submitter. Criteria: Invitae Variant Classification Sherloc (09022015). Collection method: clinical testing. Allele origin: germline.
Comment: This sequence change replaces leucine, which is neutral and non-polar, with valine, which is neutral and non-polar, at codon 292 of the TYMP protein (p.Leu292Val). The frequency data for this variant in the population databases is considered unreliable, as metrics indicate poor data quality at this position in the gnomAD database. This variant has not been reported in the literature in individuals affected with TYMP-related conditions. ClinVar contains an entry for this variant (Variation ID: 215323). Advanced modeling of protein sequence and biophysical properties (such as structural, functional, and spatial information, amino acid conservation, physicochemical variation, residue mobility, and thermodynamic stability) performed at Invitae indicates that this missense variant is not expected to disrupt TYMP protein function. Algorithms developed to predict the effect of sequence changes on RNA splicing suggest that this variant may create or strengthen a splice site. In summary, the available evidence is currently insufficient to determine the role of this variant in disease. Therefore, it has been classified as a Variant of Uncertain Significance.

GeneDx
Classification: Likely benign. Last evaluated: 2014-03-26. Review status: criteria provided, single submitter. Criteria: GeneDx Variant Classification (06012015). Collection method: clinical testing. Allele origin: germline. Affected: yes.
Comment: This variant is considered likely benign or benign based on one or more of the following criteria: it is a conservative change, it occurs at a poorly conserved position in the protein, it is predicted to be benign by multiple in silico algorithms, and/or has population frequency not consistent with disease.